The following is an entry in ClinVar:

ClinVar aggregate classification (germline): Benign/Likely benign. Review status: criteria provided, multiple submitters, no conflicts (2 of 4 stars). 3 submissions from 3 submitters: Benign (1); Likely benign (1). 1 of the submissions does not count toward it. Last evaluated 2026-01-18.

Conditions:
DYNC2I1-related disorder. Also called: DYNC2I1-related condition.
Short-rib thoracic dysplasia 8 with or without polydactyly (SRTD8). Also called: SHORT-RIB THORACIC DYSPLASIA 8 WITH POLYDACTYLY. Identifiers: Orphanet 93271, MedGen C3809691, MONDO:0014214, OMIM 615503.

Allele frequency attached by ClinVar (database versions not stated): gnomAD exomes 0.00016 and 0.00037; 1000 Genomes Project 30x 0.00062; ExAC 0.00067; ESP Exome Variant Server 0.00072; 1000 Genomes Project 0.00080; gnomAD 0.00123 and 0.00125; TOPMed 0.00124.
gnomAD v4.1: 422 of 1,606,582 alleles (0.026%); highest among the groups gnomAD compares: African/African-American, 0.38%; 2 homozygotes.

Submissions (3):

Labcorp Genetics (formerly Invitae), Labcorp
Classification: Benign for Short-rib thoracic dysplasia 8 with or without polydactyly. Last evaluated: 2026-01-18. Review status: criteria provided, single submitter. Criteria: Invitae Variant Classification Sherloc (09022015). Collection method: clinical testing. Allele origin: germline.

Blueprint Genetics
Classification: Likely benign. Last evaluated: 2024-11-14. Review status: criteria provided, single submitter. Criteria: ACMG Guidelines, 2015. Collection method: clinical testing. Allele origin: germline.

PreventionGenetics, part of Exact Sciences
Classification: Likely benign for DYNC2I1-related condition. Last evaluated: 2019-12-05. Review status: no assertion criteria provided. Collection method: clinical testing. Allele origin: germline. Not counted in ClinVar's aggregate classification.
Comment: This variant is classified as likely benign based on ACMG/AMP sequence variant interpretation guidelines (Richards et al. 2015 PMID: 25741868, with internal and published modifications).

NM_018051.5(DYNC2I1):c.2793C>T (p.Asp931=)

Gene: DYNC2I1 (dynein 2 intermediate chain 1; plus strand). Cytogenetic location: 7q36.3.
Variant type: single nucleotide variant.
Coding change: c.2793C>T on transcript NM_018051.5 (MANE Select); coding-DNA position 2793, C replaced by T.
Protein change: p.Asp931=; no amino-acid change (aspartic acid 931 retained).
Molecular consequence: synonymous variant.
Genome position (GRCh38, 1-based): chr7:158,941,939, C>T. VCF-style: chr7-158941939-C-T. GRCh37 (hg19) VCF-style: chr7-158734630-C-T.
Other names: c.2655C>T, p.Asp885= (NM_001350914.2); c.2220C>T, p.Asp740= (NM_001350915.2); c.1332C>T, p.Asp444= (NM_001350916.2); c.1545C>T, p.Asp515= (NM_001350917.2, NM_001350918.2).
Identifiers: ClinVar variation 707451 (VCV000707451.13), dbSNP rs199624775, ClinGen allele CA4595099.